The following is an entry in ClinVar:

ClinVar aggregate classification (germline): Uncertain significance (1 of 4 stars; one submission).

Conditions:
PCNT-related disorder. Also called: PCNT-related condition.

gnomAD v4.1: 6 of 1,606,832 alleles (0.00037%); highest among the groups gnomAD compares: African/African-American, 0.0013%; no homozygotes.

Submission:

PreventionGenetics, part of Exact Sciences
Classification: Uncertain significance for PCNT-related condition. Last evaluated: 2026-08-25. Review status: criteria provided, single submitter. Criteria: ACMG Guidelines, 2015. Collection method: clinical testing. Allele origin: germline.
Comment: The PCNT c.1100C>T variant is predicted to result in the amino acid substitution p.Ala367Val. To our knowledge, this variant has not been reported in the literature. This variant is reported in 0.0062% of alleles in individuals of African descent in gnomAD. At this time, the clinical significance of this variant is uncertain due to the absence of conclusive functional and genetic evidence.

NM_006031.6(PCNT):c.1100C>T (p.Ala367Val)

Gene: PCNT (pericentrin; plus strand). Cytogenetic location: 21q22.3.
Variant type: single nucleotide variant.
Coding change: c.1100C>T on transcript NM_006031.6 (MANE Select); coding-DNA position 1100, C replaced by T.
Protein change: p.Ala367Val; replaces alanine 367 with valine.
Molecular consequence: missense variant.
Genome position (GRCh38, 1-based): chr21:46,349,079, C>T. VCF-style: chr21-46349079-C-T. GRCh37 (hg19) VCF-style: chr21-47768993-C-T.
Other names: c.746C>T, p.Ala249Val (NM_001315529.2); short protein forms A249V, A367V.
Identifiers: ClinVar variation 4991681 (VCV004991681.1).